The following is an entry in ClinVar:

NM_014000.3(VCL):c.1744-19T>G

Gene: VCL (vinculin; plus strand). Cytogenetic location: 10q22.2.
Variant type: single nucleotide variant.
Coding change: c.1744-19T>G on transcript NM_014000.3 (MANE Select); 19 bases into the intron before coding-DNA position 1744, T replaced by G.
Molecular consequence: intron variant.
Genome position (GRCh38, 1-based): chr10:74,097,185, T>G. VCF-style: chr10-74097185-T-G. GRCh37 (hg19) VCF-style: chr10-75856943-T-G.
Other names: c.1744-19T>G (NM_003373.4).
Identifiers: ClinVar variation 977695 (VCV000977695.13), dbSNP rs201488697, ClinGen allele CA5563078.

ClinVar aggregate classification (germline): Benign/Likely benign. Review status: criteria provided, multiple submitters, no conflicts (2 of 4 stars). 3 submissions from 3 submitters: Benign (2); Likely benign (1). Last evaluated 2026-01-27.

Conditions:
Dilated cardiomyopathy 1W (CMD1W). Identifiers: Orphanet 154, MedGen C1969639, MONDO:0012667, OMIM 611407.

Allele frequency attached by ClinVar (database versions not stated): TOPMed 0.00019; ExAC 0.00021; gnomAD exomes 0.00022; ESP Exome Variant Server 0.00031.
gnomAD v4.1: 314 of 1,612,636 alleles (0.019%); highest among the groups gnomAD compares: Middle Eastern, 0.033%; no homozygotes.

Submissions (3):

Labcorp Genetics (formerly Invitae), Labcorp
Classification: Benign for Dilated cardiomyopathy 1W. Last evaluated: 2026-01-27. Review status: criteria provided, single submitter. Criteria: Invitae Variant Classification Sherloc (09022015). Collection method: clinical testing. Allele origin: germline.

Women's Health and Genetics/Laboratory Corporation of America, LabCorp
Classification: Likely benign. Last evaluated: 2020-08-17. Review status: criteria provided, single submitter. Criteria: LabCorp Variant Classification Summary - May 2015. Collection method: clinical testing. Allele origin: germline.
Comment: Variant summary: VCL c.1744-19T>G alters a non-conserved nucleotide located close to a canonical splice site and therefore could affect mRNA splicing, leading to a significantly altered protein sequence. Several computational tools predict a significant impact on normal splicing: three predict the variant creates a 5' donor site; three predict the variant creates a 3' acceptor site. However, these predictions have yet to be confirmed by functional studies. The variant allele was found at a frequency of 0.00022 in 251100 control chromosomes. The observed variant frequency is approximately 9 fold of the estimated maximal expected allele frequency for a pathogenic variant in VCL causing Cardiomyopathy phenotype (2.5e-05), strongly suggesting that the variant is benign. To our knowledge, no occurrence of c.1744-19T>G in individuals affected with Cardiomyopathy and no experimental evidence demonstrating its impact on protein function have been reported. No clinical diagnostic laboratories have submitted clinical-significance assessments for this variant to ClinVar after 2014. Based on the evidence outlined above, the variant was classified as likely benign.

GeneDx
Classification: Benign. Last evaluated: 2015-03-03. Review status: criteria provided, single submitter. Criteria: GeneDx Variant Classification Process June 2021. Collection method: clinical testing. Allele origin: germline. Affected: yes.